The following is an entry in ClinVar:

ClinVar aggregate classification (germline): Uncertain significance. Review status: criteria provided, multiple submitters, no conflicts (2 of 4 stars). 3 submissions from 3 submitters: Uncertain significance (3). Last evaluated 2026-07-03.

Conditions:
Inborn genetic diseases. Identifiers: MedGen C0950123, MeSH D030342.

Allele frequency attached by ClinVar (database versions not stated): gnomAD 0.00001; gnomAD exomes below 0.00001; TOPMed 0.00002.
gnomAD v4.1: 20 of 1,614,148 alleles (0.0012%); highest among the groups gnomAD compares: Middle Eastern, 0.033%; no homozygotes.

Submissions (3):

Ambry Genetics
Classification: Uncertain significance for Inborn genetic diseases. Last evaluated: 2026-07-03. Review status: criteria provided, single submitter. Criteria: Ambry Variant Classification Scheme 2023. Collection method: clinical testing. Allele origin: germline.

Blueprint Genetics
Classification: Uncertain significance. Last evaluated: 2024-09-02. Review status: criteria provided, single submitter. Criteria: ACMG Guidelines, 2015. Collection method: clinical testing. Allele origin: germline.

Labcorp Genetics (formerly Invitae), Labcorp
Classification: Uncertain significance. Last evaluated: 2023-11-13. Review status: criteria provided, single submitter. Criteria: Invitae Variant Classification Sherloc (09022015). Collection method: clinical testing. Allele origin: germline.
Comment: This sequence change replaces glycine, which is neutral and non-polar, with serine, which is neutral and polar, at codon 1657 of the GPR179 protein (p.Gly1657Ser). This variant is not present in population databases (gnomAD no frequency). This variant has not been reported in the literature in individuals affected with GPR179-related conditions. ClinVar contains an entry for this variant (Variation ID: 1407042). Algorithms developed to predict the effect of missense changes on protein structure and function output the following: SIFT: "Not Available"; PolyPhen-2: "Benign"; Align-GVGD: "Not Available". The serine amino acid residue is found in multiple mammalian species, which suggests that this missense change does not adversely affect protein function. In summary, the available evidence is currently insufficient to determine the role of this variant in disease. Therefore, it has been classified as a Variant of Uncertain Significance.

NM_001004334.4(GPR179):c.4969G>A (p.Gly1657Ser)

Gene: GPR179 (G protein-coupled receptor 179; minus strand). Cytogenetic location: 17q12.
Variant type: single nucleotide variant.
Coding change: c.4969G>A on transcript NM_001004334.4 (MANE Select); coding-DNA position 4969, G replaced by A.
Protein change: p.Gly1657Ser; replaces glycine 1657 with serine.
Molecular consequence: missense variant.
Genome position (GRCh38, 1-based): chr17:38,328,600, C>T on the plus strand (G>A on the coding strand, the complement: GPR179 is on the minus strand). VCF-style: chr17-38328600-C-T. GRCh37 (hg19) VCF-style: chr17-36484483-C-T.
Other names: c.4969G>A (NM_001004334.2); short protein forms G1657S.
Identifiers: ClinVar variation 1407042 (VCV001407042.7), dbSNP rs1405392734, ClinGen allele CA398874058.